The following is an entry in ClinVar:

ClinVar aggregate classification (germline): Pathogenic/Likely pathogenic. Review status: criteria provided, multiple submitters, no conflicts (2 of 4 stars). 2 submissions from 2 submitters: Pathogenic (1); Likely pathogenic (1). Last evaluated 2025-10-25.

Conditions:
Usher syndrome type 2A. Also called: USHER SYNDROME, TYPE IIA; RETINAL DISEASE IN USHER SYNDROME TYPE IIA, MODIFIER OF. Identifiers: Orphanet 231178, Orphanet 886, MedGen C1848634, MONDO:0010169, OMIM 276901.

Submissions (2):

Natera, Inc.
Classification: Likely pathogenic for Usher syndrome type 2A. Last evaluated: 2025-10-25. Review status: criteria provided, single submitter. Criteria: Natera Variant Classification Schema (03/2026). Collection method: clinical testing. Allele origin: germline.
Comment: The c.2738del variant in USH2A is a frameshift variant predicted to shift the reading frame beginning at codon 913 and leads to a stop codon 54 codons downstream. This variant is expected to result in nonsense mediated decay, truncation, or a dysfunctional protein product. This variant is rare in the general population with a frequency below the threshold expected for the associated phenotype(s). Given the available evidence, this variant is classified as Likely Pathogenic.

Labcorp Genetics (formerly Invitae), Labcorp
Classification: Pathogenic. Last evaluated: 2021-09-06. Review status: criteria provided, single submitter. Criteria: Invitae Variant Classification Sherloc (09022015). Collection method: clinical testing. Allele origin: germline.
Comment: This sequence change creates a premature translational stop signal (p.Cys913Leufs*54) in the USH2A gene. It is expected to result in an absent or disrupted protein product. Loss-of-function variants in USH2A are known to be pathogenic (PMID: 10729113, 10909849, 20507924, 25649381). This variant is not present in population databases (ExAC no frequency). This variant has not been reported in the literature in individuals affected with USH2A-related conditions. For these reasons, this variant has been classified as Pathogenic.

Literature cited by the submitters: PubMed 10729113 (cited by Labcorp Genetics (formerly Invitae), Labcorp); PubMed 10909849 (cited by Labcorp Genetics (formerly Invitae), Labcorp); PubMed 20507924 (cited by Labcorp Genetics (formerly Invitae), Labcorp); PubMed 25649381 (cited by Labcorp Genetics (formerly Invitae), Labcorp).

NM_206933.4(USH2A):c.2738del (p.Cys913fs)

Genes: USH2A (usherin; minus strand), LOC122152296 (Sharpr-MPRA regulatory region 8762; plus strand). Cytogenetic location: 1q41.
Variant type: Deletion.
Coding change: c.2738del on transcript NM_206933.4 (MANE Select); coding-DNA position 2738, one base deleted (G; older notation c.2738delG).
Protein change: p.Cys913fs; shifts the reading frame from cysteine 913.
Molecular consequence: frameshift variant.
Genome position (GRCh38, 1-based): chr1:216,246,656, C deleted on the plus strand (G on the coding strand, the reverse complement: USH2A is on the minus strand). VCF-style (leftmost placement, unchanged base first): chr1-216246655-AC-A. GRCh37 (hg19) VCF-style: chr1-216419997-AC-A.
Other names: c.2738del (NM_206933.2); c.2738del, p.Cys913fs (NM_007123.6); short protein forms C913fs.
Identifiers: ClinVar variation 1453703 (VCV001453703.7), dbSNP rs2102545062, ClinGen allele CA2573132755.